The following is an entry in ClinVar:

ClinVar aggregate classification (germline): Uncertain significance (1 of 4 stars; one submission).

Conditions:
Wilson disease (WND). Also called: Wilson's disease. Identifiers: Orphanet 905, MedGen C0019202, MONDO:0010200, OMIM 277900. Disease mechanism: loss of function.

Submission:

All of Us Research Program, National Institutes of Health
Classification: Uncertain significance for Wilson disease. Last evaluated: 2024-05-14. Review status: criteria provided, single submitter. Criteria: ACMG Guidelines, 2015. Collection method: clinical testing. Allele origin: germline. Inheritance: Autosomal recessive inheritance. Observed: 2 variant alleles, 2 heterozygotes.
Comment: This missense variant replaces serine with alanine at codon 20 of the ATP7B protein. Computational prediction suggests that this variant may not impact protein structure and function (internally defined REVEL score threshold <= 0.5, PMID: 27666373). To our knowledge, functional studies have not been reported for this variant. This variant has not been reported in individuals affected with ATP7B-related disorders in the literature. This variant has been identified in 1/249404 chromosomes in the general population by the Genome Aggregation Database (gnomAD). The available evidence is insufficient to determine the role of this variant in disease conclusively. Therefore, this variant is classified as a Variant of Uncertain Significance.

This study involves interpretation of variants in research participants for the purpose of population health screening. Participant phenotype was not available at the time of variant classification. Additional details can be found in publication PMID: 35346344, PMCID: PMC8962531

NM_000053.4(ATP7B):c.58T>G (p.Ser20Ala)

Gene: ATP7B (ATPase copper transporting beta; minus strand). Cytogenetic location: 13q14.3.
Variant type: single nucleotide variant.
Coding change: c.58T>G on transcript NM_000053.4 (MANE Select); coding-DNA position 58, T replaced by G.
Protein change: p.Ser20Ala; replaces serine 20 with alanine.
Molecular consequence: missense variant. On other transcripts: 5 prime UTR variant (7).
Genome position (GRCh38, 1-based): chr13:51,975,162, A>C on the plus strand (T>G on the coding strand, the complement: ATP7B is on the minus strand). VCF-style: chr13-51975162-A-C. GRCh37 (hg19) VCF-style: chr13-52549298-A-C.
Other names: c.58T>G, p.Ser20Ala (NM_001005918.3, NM_001243182.2, NM_001330578.2 and 30 more transcripts); c.-39T>G (NM_001406517.1, NM_001406518.1, NM_001406530.1 and 4 more transcripts); short protein forms S20A.
Identifiers: ClinVar variation 3069484 (VCV003069484.2), dbSNP rs1233056586, ClinGen allele CA388045420.